The following is an entry in ClinVar:

ClinVar aggregate classification (germline): Uncertain significance. Review status: criteria provided, multiple submitters, no conflicts (2 of 4 stars). 6 submissions from 6 submitters: Uncertain significance (6). Last evaluated 2024-08-25.

Conditions:
Joubert syndrome. Also called: Familial aplasia of the vermis; JOUBERT-BOLTSHAUSER SYNDROME. Identifiers: Orphanet 475, MedGen C5979921, MONDO:0018772.
Meckel-Gruber syndrome. Also called: GRUBER SYNDROME; Dysencephalia splachnocystica; DYSENCEPHALIA SPLANCHNOCYSTICA. Identifiers: Orphanet 564, MedGen C0265215, MONDO:0018921.
Meckel syndrome, type 10 (MKS10). Identifiers: Orphanet 564, MedGen C3280036, MONDO:0013609, OMIM 614175.

Allele frequency attached by ClinVar (database versions not stated): gnomAD 0.00002 and 0.00003; TOPMed 0.00004.
gnomAD v4.1: 84 of 1,614,004 alleles (0.0052%); highest among the groups gnomAD compares: Middle Eastern, 0.099%; 2 homozygotes.

Submissions (6):

Ambry Genetics
Classification: Uncertain significance. Last evaluated: 2024-08-25. Review status: criteria provided, single submitter. Criteria: Ambry Variant Classification Scheme 2023. Collection method: clinical testing. Allele origin: germline.

Blueprint Genetics
Classification: Uncertain significance. Last evaluated: 2024-07-05. Review status: criteria provided, single submitter. Criteria: ACMG Guidelines, 2015. Collection method: clinical testing. Allele origin: germline.

Labcorp Genetics (formerly Invitae), Labcorp
Classification: Uncertain significance for Joubert syndrome; Meckel-Gruber syndrome. Last evaluated: 2022-06-01. Review status: criteria provided, single submitter. Criteria: Invitae Variant Classification Sherloc (09022015). Collection method: clinical testing. Allele origin: germline.
Comment: This sequence change replaces glycine, which is neutral and non-polar, with cysteine, which is neutral and slightly polar, at codon 162 of the B9D2 protein (p.Gly162Cys). This variant is present in population databases (rs760322583, gnomAD 0.02%). This variant has not been reported in the literature in individuals affected with B9D2-related conditions. ClinVar contains an entry for this variant (Variation ID: 1341710). Algorithms developed to predict the effect of missense changes on protein structure and function are either unavailable or do not agree on the potential impact of this missense change (SIFT: "Deleterious"; PolyPhen-2: "Benign"; Align-GVGD: "Class C0"). In summary, the available evidence is currently insufficient to determine the role of this variant in disease. Therefore, it has been classified as a Variant of Uncertain Significance.

Women's Health and Genetics/Laboratory Corporation of America, LabCorp
Classification: Uncertain significance. Last evaluated: 2022-05-11. Review status: criteria provided, single submitter. Criteria: LabCorp Variant Classification Summary - May 2015. Collection method: clinical testing. Allele origin: germline.
Comment: Variant summary: B9D2 c.484G>T (p.Gly162Cys) results in a non-conservative amino acid change in the encoded protein sequence. Four of five in-silico tools predict a benign effect of the variant on protein function. The variant allele was found at a frequency of 6.4e-05 in 250866 control chromosomes (gnomAD). This frequency is not significantly higher than expected for a pathogenic variant in B9D2 causing Joubert Syndrome And Related Disorders (6.4e-05 vs 0.0004), allowing no conclusion about variant significance. To our knowledge, no occurrence of c.484G>T in individuals affected with Joubert Syndrome And Related Disorders and no experimental evidence demonstrating its impact on protein function have been reported. One clinical diagnostic laboratory has submitted clinical-significance assessments for this variant to ClinVar after 2014 without evidence for independent evaluation and classified the variant as uncertain significance. Based on the evidence outlined above, the variant was classified as uncertain significance.

GeneDx
Classification: Uncertain significance. Last evaluated: 2022-02-15. Review status: criteria provided, single submitter. Criteria: GeneDx Variant Classification Process June 2021. Collection method: clinical testing. Allele origin: germline. Affected: yes.
Comment: In silico analysis supports that this missense variant has a deleterious effect on protein structure/function; Has not been previously published as pathogenic or benign to our knowledge

New York Genome Center
Classification: Uncertain significance for Meckel syndrome, type 10. Last evaluated: 2020-06-26. Review status: criteria provided, single submitter. Criteria: NYGC Assertion Criteria 2020. Collection method: clinical testing. Allele origin: germline. Observed: 1 homozygote. Study: CSER-NYCKidSeq.
Comment: The homozygous c.484G>T (p.Gly162Cys) variant identified in the B9D2 gene substitutes a moderately conserved Glycine for Cystine at amino acid 162/176 (exon 4/4). This variant is found with low frequency in gnomAD(v3.0) (3 heterozygotes, 0 homozygotes; allele frequency:2.09e-5) suggesting it is not a common benign variant in the populations represented in that database. In silico algorithms do not agree on the effect of this variant, as it is predicted both Deleterious (Provean; score:-3.31) and Tolerated (SIFT; score:0.124) to the function of the canonical transcript. This variant is reported as a Variant of Uncertain Significance in ClinVar (VarID:329340) and to our current knowledge has not been reported in affected individuals in the literature. Given the lack of compelling evidence for its pathogenicity, the homozygous c.484G>T (p.Gly162Cys) variant identified in the B9D2 gene is reported here as a Variant of Uncertain Significance.

NM_030578.4(B9D2):c.484G>T (p.Gly162Cys)

Gene: B9D2 (B9 domain containing 2; minus strand). Cytogenetic location: 19q13.2.
Variant type: single nucleotide variant.
Coding change: c.484G>T on transcript NM_030578.4 (MANE Select); coding-DNA position 484, G replaced by T.
Protein change: p.Gly162Cys; replaces glycine 162 with cysteine.
Molecular consequence: missense variant.
Genome position (GRCh38, 1-based): chr19:41,354,744, C>A on the plus strand (G>T on the coding strand, the complement: B9D2 is on the minus strand). VCF-style: chr19-41354744-C-A. GRCh37 (hg19) VCF-style: chr19-41860649-C-A.
Other names: short protein forms G162C.
Identifiers: ClinVar variation 1341710 (VCV001341710.9), dbSNP rs760322583, ClinGen allele CA9460232.
Genomic context (GRCh38, chr19:41,354,744, plus strand): 5'-TTGGAGGCAGAGTCCCTCAGCACTCCACGCCGTAGCGGTCGAAGTTGCGGAGCAGCAGGC[C>A]GATCTCCAGGTGCACGGTGCCACCAGCAGCTGTGTGCAGGCGATAGCGGTCGGCCCCACT-3'
Protein context (NP_085055.2, residues 152-172): AAGGTVHLEI[Gly162Cys]LLLRNFDRYG